The following is an entry in ClinVar:

NM_000334.4(SCN4A):c.1541A>T (p.Gln514Leu)

Gene: SCN4A (sodium voltage-gated channel alpha subunit 4; minus strand). Cytogenetic location: 17q23.3.
Variant type: single nucleotide variant.
Coding change: c.1541A>T on transcript NM_000334.4 (MANE Select); coding-DNA position 1541, A replaced by T.
Protein change: p.Gln514Leu; replaces glutamine 514 with leucine.
Molecular consequence: missense variant.
Genome position (GRCh38, 1-based): chr17:63,963,737, T>A on the plus strand (A>T on the coding strand, the complement: SCN4A is on the minus strand). VCF-style: chr17-63963737-T-A. GRCh37 (hg19) VCF-style: chr17-62041097-T-A.
Other names: short protein forms Q514L.
Identifiers: ClinVar variation 2526935 (VCV002526935.3), dbSNP rs745470165, ClinGen allele CA400634540.

ClinVar aggregate classification (germline): Uncertain significance. Review status: criteria provided, multiple submitters, no conflicts (2 of 4 stars). 2 submissions from 2 submitters: Uncertain significance (2). Last evaluated 2026-01-22.

Conditions:
Hyperkalemic periodic paralysis. Also called: Familial hyperkalemic periodic paralysis; Gamstorp disease. Identifiers: Orphanet 682, MedGen C0238357, MONDO:0008224, OMIM 170500, HP:0007215.
Inborn genetic diseases. Identifiers: MedGen C0950123, MeSH D030342.

gnomAD v4.1: 2 of 1,608,654 alleles (0.00012%); highest among the groups gnomAD compares: Non-Finnish European, 0.000085%; no homozygotes.

Submissions (2):

Labcorp Genetics (formerly Invitae), Labcorp
Classification: Uncertain significance for Hyperkalemic periodic paralysis. Last evaluated: 2026-01-22. Review status: criteria provided, single submitter. Criteria: Invitae Variant Classification Sherloc (09022015). Collection method: clinical testing. Allele origin: germline.
Comment: This sequence change replaces glutamine, which is neutral and polar, with leucine, which is neutral and non-polar, at codon 514 of the SCN4A protein (p.Gln514Leu). This variant is not present in population databases (gnomAD no frequency). This variant has not been reported in the literature in individuals affected with SCN4A-related conditions. ClinVar contains an entry for this variant (Variation ID: 2526935). Invitae Evidence Modeling of protein sequence and biophysical properties (such as structural, functional, and spatial information, amino acid conservation, physicochemical variation, residue mobility, and thermodynamic stability) indicates that this missense variant is not expected to disrupt SCN4A protein function with a negative predictive value of 95%. In summary, the available evidence is currently insufficient to determine the role of this variant in disease. Therefore, it has been classified as a Variant of Uncertain Significance.

Ambry Genetics
Classification: Uncertain significance for Inborn genetic diseases. Last evaluated: 2023-03-20. Review status: criteria provided, single submitter. Criteria: Ambry Variant Classification Scheme 2023. Collection method: clinical testing. Allele origin: germline.